The following is an entry in ClinVar:

NC_000017.10:g.(?_29496899)_(29701173_?)dup

Genes: EVI2A (ecotropic viral integration site 2A; minus strand), EVI2B (ecotropic viral integration site 2B; minus strand), NF1 (neurofibromin 1; plus strand), OMG (oligodendrocyte myelin glycoprotein; minus strand). Cytogenetic location: 17q11.2.
Variant type: Duplication.
Identifiers: ClinVar variation 3242899 (VCV003242899.1).

ClinVar aggregate classification (germline): Uncertain significance (1 of 4 stars; one submission).

Conditions:
Neurofibromatosis, type 1 (NF1). Also called: VON RECKLINGHAUSEN DISEASE; Neurofibromatosis, type I; Peripheral type neurofibromatosis; NEUROFIBROMATOSIS, TYPE I, SOMATIC. Identifiers: Orphanet 636, MedGen C0027831, MONDO:0018975, OMIM 162200. Disease mechanism: loss of function.

Submission:

Labcorp Genetics (formerly Invitae), Labcorp
Classification: Uncertain significance for Neurofibromatosis, type 1. Last evaluated: 2023-02-01. Review status: criteria provided, single submitter. Criteria: Invitae Variant Classification Sherloc (09022015). Collection method: clinical testing. Allele origin: unknown.
Comment: This variant results in a copy number gain of the genomic region encompassing exon(s) 5-57 of the NF1 gene. This region includes the termination codon of the gene. This copy number gain extends beyond the assayed region for this gene and therefore may encompass additional genes. As the precise location of this event is unknown, it may be in tandem or it may be located elsewhere in the genome. This variant has not been reported in the literature in individuals affected with NF1-related conditions. In summary, the available evidence is currently insufficient to determine the role of this variant in disease. Therefore, it has been classified as a Variant of Uncertain Significance.